The following is an entry in ClinVar:

NC_000005.10:g.112707338T>C

Gene: APC (APC regulator of Wnt signaling pathway; plus strand). Cytogenetic location: 5q22.2.
Variant type: single nucleotide variant.
Genome position: GRCh38 VCF-style: chr5-112707338-T-C. GRCh37 (hg19) VCF-style: chr5-112043035-T-C.
Identifiers: ClinVar variation 1042141 (VCV001042141.10), dbSNP rs1750549577, ClinGen allele CA1573442171.

ClinVar aggregate classification (germline): Uncertain significance (1 of 4 stars; one submission).

Conditions:
Familial adenomatous polyposis 1 (FAP1). Also called: FAMILIAL ADENOMATOUS POLYPOSIS 1, ATTENUATED; POLYPOSIS, ADENOMATOUS INTESTINAL. Identifiers: MedGen C2713442, MONDO:0021056, OMIM 175100. Disease mechanism: loss of function.

Submission:

Labcorp Genetics (formerly Invitae), Labcorp
Classification: Uncertain significance for Familial adenomatous polyposis 1. Last evaluated: 2020-05-29. Review status: criteria provided, single submitter. Criteria: Invitae Variant Classification Sherloc (09022015). Collection method: clinical testing. Allele origin: germline.
Comment: The frequency data for this variant in the population databases is considered unreliable, as metrics indicate insufficient coverage at this position in the ExAC database. This variant has not been reported in the literature in individuals with APC-related conditions. Experimental studies and prediction algorithms are not available for this variant, and the functional significance of this non-coding change is currently unknown. In summary, the available evidence is currently insufficient to determine the role of this variant in disease. Therefore, it has been classified as a Variant of Uncertain Significance. This variant occurs in a non-coding region of the APC gene. It does not change the encoded amino acid sequence of the APC protein.